The following is an entry in ClinVar:

ClinVar aggregate classification (germline): Uncertain significance. Review status: criteria provided, multiple submitters, no conflicts (2 of 4 stars). 2 submissions from 2 submitters: Uncertain significance (2). Last evaluated 2025-02-05.

Conditions:
Primary ciliary dyskinesia. Also called: Ciliary dyskinesia. Identifiers: Orphanet 244, MedGen C0008780, MONDO:0016575, HP:0012265.

Submissions (2):

Ambry Genetics
Classification: Uncertain significance for Primary ciliary dyskinesia. Last evaluated: 2025-02-05. Review status: criteria provided, single submitter. Criteria: Ambry Variant Classification Scheme 2023. Collection method: clinical testing. Allele origin: germline.

Labcorp Genetics (formerly Invitae), Labcorp
Classification: Uncertain significance for Primary ciliary dyskinesia. Last evaluated: 2024-08-19. Review status: criteria provided, single submitter. Criteria: Invitae Variant Classification Sherloc (09022015). Collection method: clinical testing. Allele origin: germline.
Comment: This sequence change replaces proline, which is neutral and non-polar, with leucine, which is neutral and non-polar, at codon 168 of the CCDC40 protein (p.Pro168Leu). The frequency data for this variant in the population databases is considered unreliable, as metrics indicate poor data quality at this position in the gnomAD database. This variant has not been reported in the literature in individuals affected with CCDC40-related conditions. An algorithm developed to predict the effect of missense changes on protein structure and function outputs the following: PolyPhen-2: "Benign". The leucine amino acid residue is found in multiple mammalian species, which suggests that this missense change does not adversely affect protein function. In summary, the available evidence is currently insufficient to determine the role of this variant in disease. Therefore, it has been classified as a Variant of Uncertain Significance.

NM_017950.4(CCDC40):c.503C>T (p.Pro168Leu)

Gene: CCDC40 (coiled-coil domain 40 molecular ruler complex subunit; plus strand). Cytogenetic location: 17q25.3.
Variant type: single nucleotide variant.
Coding change: c.503C>T on transcript NM_017950.4 (MANE Select); coding-DNA position 503, C replaced by T.
Protein change: p.Pro168Leu; replaces proline 168 with leucine.
Molecular consequence: missense variant.
Genome position (GRCh38, 1-based): chr17:80,040,221, C>T. VCF-style: chr17-80040221-C-T. GRCh37 (hg19) VCF-style: chr17-78014020-C-T.
Other names: c.503C>T (NM_017950.3); c.503C>T, p.Pro168Leu (NM_001243342.2, NM_001330508.2); short protein forms P168L.
Identifiers: ClinVar variation 3727234 (VCV003727234.3).